The following is an entry in ClinVar:

ClinVar aggregate classification (germline): Uncertain significance (0 of 4 stars; one submission).

Conditions:
ATP2C2-related disorder. Also called: ATP2C2-related condition.

Submission:

PreventionGenetics, part of Exact Sciences
Classification: Uncertain significance for ATP2C2-related condition. Last evaluated: 2024-09-21. Review status: no assertion criteria provided. Collection method: clinical testing. Allele origin: germline.
Comment: The ATP2C2 c.668C>A variant is predicted to result in the amino acid substitution p.Ala223Asp. To our knowledge, this variant has not been reported in the literature or in gnomAD, indicating this variant is rare. At this time, the clinical significance of this variant is uncertain due to the absence of conclusive functional and genetic evidence.

NM_014861.4(ATP2C2):c.668C>A (p.Ala223Asp)

Gene: ATP2C2 (ATPase secretory pathway Ca2+ transporting 2; plus strand). Cytogenetic location: 16q24.1.
Variant type: single nucleotide variant.
Coding change: c.668C>A on transcript NM_014861.4 (MANE Select); coding-DNA position 668, C replaced by A.
Protein change: p.Ala223Asp; replaces alanine 223 with aspartic acid.
Molecular consequence: missense variant.
Genome position (GRCh38, 1-based): chr16:84,422,433, C>A. VCF-style: chr16-84422433-C-A. GRCh37 (hg19) VCF-style: chr16-84456039-C-A.
Other names: c.668C>A, p.Ala223Asp (NM_001286527.3); c.215C>A, p.Ala72Asp (NM_001291454.2); short protein forms A223D, A72D.
Identifiers: ClinVar variation 3346972 (VCV003346972.1).